The following is an entry in ClinVar:

NM_001084.5(PLOD3):c.1904C>T (p.Thr635Ile)

Gene: PLOD3 (procollagen-lysine,2-oxoglutarate 5-dioxygenase 3; minus strand). Cytogenetic location: 7q22.1.
Variant type: single nucleotide variant.
Coding change: c.1904C>T on transcript NM_001084.5 (MANE Select); coding-DNA position 1904, C replaced by T.
Protein change: p.Thr635Ile; replaces threonine 635 with isoleucine.
Molecular consequence: missense variant.
Genome position (GRCh38, 1-based): chr7:101,207,609, G>A on the plus strand (C>T on the coding strand, the complement: PLOD3 is on the minus strand). VCF-style: chr7-101207609-G-A. GRCh37 (hg19) VCF-style: chr7-100850890-G-A.
Other names: short protein forms T635I.
Identifiers: ClinVar variation 732293 (VCV000732293.12), dbSNP rs202064184, ClinGen allele CA4407480.

ClinVar aggregate classification (germline): Likely benign. Review status: criteria provided, single submitter (1 of 4 stars). 2 submissions from 2 submitters: Likely benign (1). 1 of the submissions does not count toward it. Last evaluated 2025-12-09.

Conditions:
PLOD3-related disorder. Also called: PLOD3-related condition.

Allele frequency attached by ClinVar (database versions not stated): gnomAD exomes 0.00013 and 0.00049; gnomAD 0.00020 and 0.00028; TOPMed 0.00025; ExAC 0.00048; 1000 Genomes Project 30x 0.00094; 1000 Genomes Project 0.00100.

Submissions (2):

Labcorp Genetics (formerly Invitae), Labcorp
Classification: Likely benign. Last evaluated: 2025-12-09. Review status: criteria provided, single submitter. Criteria: Invitae Variant Classification Sherloc (09022015). Collection method: clinical testing. Allele origin: germline.

PreventionGenetics, part of Exact Sciences
Classification: Likely benign for PLOD3-related condition. Last evaluated: 2019-10-28. Review status: no assertion criteria provided. Collection method: clinical testing. Allele origin: germline. Not counted in ClinVar's aggregate classification.
Comment: This variant is classified as likely benign based on ACMG/AMP sequence variant interpretation guidelines (Richards et al. 2015 PMID: 25741868, with internal and published modifications).